The following is an entry in ClinVar:

NM_001330691.3(CEP78):c.1812G>A (p.Met604Ile)

Gene: CEP78 (centrosomal protein 78; plus strand). Cytogenetic location: 9q21.2.
Variant type: single nucleotide variant.
Coding change: c.1812G>A on transcript NM_001330691.3 (MANE Select); coding-DNA position 1812, G replaced by A.
Protein change: p.Met604Ile; replaces methionine 604 with isoleucine.
Molecular consequence: missense variant. On other transcripts: intron variant (4).
Genome position (GRCh38, 1-based): chr9:78,265,873, G>A. VCF-style: chr9-78265873-G-A. GRCh37 (hg19) VCF-style: chr9-80880789-G-A.
Other names: c.1815G>A, p.Met605Ile (NM_001098802.3, NM_001349839.2); c.1812G>A, p.Met604Ile (NM_001349838.2); c.1800+330G>A (NM_001349840.2, NM_032171.3); c.1797+330G>A (NM_001330693.3, NM_001330694.2); short protein forms M605I, M604I.
Identifiers: ClinVar variation 2116925 (VCV002116925.4), dbSNP rs2489539191, ClinGen allele CA373866621.
Genomic context (GRCh38, chr9:78,265,873, plus strand): 5'-CAATTTTCAATTTTATAAATGTCTATTCTATTCATATTCCATCTAGGTTTCTATTTGTAT[G>A]CAGTCAGCTTACAATGAAGGAACACTAATGAAGGTACAAGTACTGATATAGATAATTTTT-3'
Protein context (NP_001317620.1, residues 594-614): QMQNIQVSIC[Met604Ile]QSAYNEGTLM

ClinVar aggregate classification (germline): Uncertain significance (1 of 4 stars; one submission).

Submission:

Labcorp Genetics (formerly Invitae), Labcorp
Classification: Uncertain significance. Last evaluated: 2025-04-14. Review status: criteria provided, single submitter. Criteria: Invitae Variant Classification Sherloc (09022015). Collection method: clinical testing. Allele origin: germline.
Comment: This sequence change replaces methionine, which is neutral and non-polar, with isoleucine, which is neutral and non-polar, at codon 605 of the CEP78 protein (p.Met605Ile). This variant is not present in population databases (gnomAD no frequency). This variant has not been reported in the literature in individuals affected with CEP78-related conditions. ClinVar contains an entry for this variant (Variation ID: 2116925). An algorithm developed to predict the effect of missense changes on protein structure and function (PolyPhen-2) suggests that this variant is likely to be disruptive. In summary, the available evidence is currently insufficient to determine the role of this variant in disease. Therefore, it has been classified as a Variant of Uncertain Significance.